The following is an entry in ClinVar:

ClinVar aggregate classification (germline): Pathogenic. Review status: criteria provided, multiple submitters, no conflicts (2 of 4 stars). 2 submissions from 2 submitters: Pathogenic (2). Last evaluated 2024-11-25.

Conditions:
MAP2K1-related disorder. Also called: MAP2K1-related condition; MAP2K1-related disorders.
Arteriovenous malformation. Also called: AVM. Identifiers: MedGen C0003857, MeSH D001165, HP:0100026.

Submissions (2):

Clinical Genomics Laboratory, Washington University in St. Louis
Classification: Pathogenic for Arteriovenous malformation. Last evaluated: 2024-11-25. Review status: criteria provided, single submitter. Criteria: Leon-Quintero et al. (Clin Genet. 2025). Collection method: clinical testing. Allele origin: somatic. Affected: yes.
Comment: A MAP2K1 c.171G>C (p.Lys57Asn) variant was identified at an allelic fraction consistent with somatic origin. This same amino acid change (p.Lys57Asn) due to a different nucleotide change (c.171G>T) has been reported in multiple individuals with arteriovenous malformations (Couto JA et al., PMID: 28190454; Maurus K et al., PMID: 34726260; Schmidt VF et al., PMID: 38563363; Zenner K et al., PMID: 32884133). The MAP2K1 c.171G>C (p.Lys57Asn) variant has also been identified in numerous cases in the cancer database COSMIC (Genomic Mutation ID: COSV61070413). It is absent from the general population (gnomAD v.4.1.0), indicating it is not a common variant. It resides within the negative regulatory region of the MEK1 protein that is defined as a critical functional domain (Waterfall JJ et al., PMID: 24241536) and where pathogenic variants are known to cluster (Dentici ML et al., PMID: 19156172). Another variant in the same codon, c.169A>C (p.Lys57Gln), has been reported in affected individuals and is considered likely pathogenic (ClinVar ID: 40779). Functional studies show that the MAP2K1 (p.Lys57Asn) variant confers a gain of function to MEK1 as demonstrated by increased autophosphorylation and phosphorylation of downstream ERK and ribosomal protein S6 kinase (RSK), leading to increased cell viability, proliferation, and transformation, as well as resistance to some MEK and BRAF inhibitors (Marks JL et al., PMID: 18632602; Kinoshita-Kikuta E et al., PMID: 29753091; Grisham RN et al., PMID: 26324360; Ng PKS et al., PMID: 29533785; Arcila ME et al., PMID: 25351745; Mizuno S et al., PMID: 36442478). The MAP2K1 gene is defined by the ClinGen RASopathy expert panel as a gene that has a low rate of benign missense variation and where pathogenic missense variants are a common mechanism of disease (Gelb BD, et al., PMID: 29493581). Based on available information and an internally developed protocol informed by the ACMG/AMP guidelines for variant interpretation and gene-specific practices from the ClinGen Criteria Specification Registry (Leon-Quintero FZ et al., PMID: 39434542), the MAP2K1 c.171G>C (p.Lys57Asn) variant is classified as pathogenic.

Blueprint Genetics
Classification: Pathogenic for MAP2K1-related disorders. Last evaluated: 2024-02-23. Review status: criteria provided, single submitter. Criteria: ACMG Guidelines, 2015. Collection method: clinical testing. Allele origin: germline. Affected: yes. Observed: 1 variant allele.

NM_002755.4(MAP2K1):c.171G>C (p.Lys57Asn)

Gene: MAP2K1 (mitogen-activated protein kinase kinase 1; plus strand). Cytogenetic location: 15q22.31.
Variant type: single nucleotide variant.
Coding change: c.171G>C on transcript NM_002755.4 (MANE Select); coding-DNA position 171, G replaced by C.
Protein change: p.Lys57Asn; replaces lysine 57 with asparagine.
Molecular consequence: missense variant.
Genome position (GRCh38, 1-based): chr15:66,435,117, G>C. VCF-style: chr15-66435117-G-C. GRCh37 (hg19) VCF-style: chr15-66727455-G-C.
Other names: short protein forms K57N.
Identifiers: ClinVar variation 3774514 (VCV003774514.2), dbSNP rs869025608.